The following is an entry in ClinVar:

NM_000059.4(BRCA2):c.4621A>G (p.Lys1541Glu)

Gene: BRCA2 (BRCA2 DNA repair associated; plus strand). Cytogenetic location: 13q13.1.
Variant type: single nucleotide variant.
Coding change: c.4621A>G on transcript NM_000059.4 (MANE Select); coding-DNA position 4621, A replaced by G.
Protein change: p.Lys1541Glu; replaces lysine 1541 with glutamic acid.
Molecular consequence: missense variant. On other transcripts: non-coding transcript variant (1), intron variant (2).
Genome position (GRCh38, 1-based): chr13:32,338,976, A>G. VCF-style: chr13-32338976-A-G. GRCh37 (hg19) VCF-style: chr13-32913113-A-G.
Other names: c.4621A>G, p.Lys1541Glu (NM_001406719.1, NM_001406720.1, NM_001432077.1); c.1910-5582A>G (NM_001406721.1); c.425-5582A>G (NM_001406722.1); short protein forms K1541E.
Identifiers: ClinVar variation 4802305 (VCV004802305.1).
Genomic context (GRCh38, chr13:32,338,976, plus strand): 5'-CTATTGGGTTTTCATACAGCTAGCGGGAAAAAAGTTAAAATTGCAAAGGAATCTTTGGAC[A>G]AAGTGAAAAACCTTTTTGATGAAAAAGAGCAAGGTACTAGTGAAATCACCAGTTTTAGCC-3'
Protein context (NP_000050.3, residues 1531-1551): KVKIAKESLD[Lys1541Glu]VKNLFDEKEQ

ClinVar aggregate classification (germline): Uncertain significance (1 of 4 stars; one submission).

Conditions:
Hereditary breast ovarian cancer syndrome. Also called: Hereditary breast and ovarian cancer syndrome (HBOC); Hereditary breast and ovarian cancer; Breast and ovarian cancer; Hereditary breast and/or ovarian cancer syndrome; BRCA1- and BRCA2-Associated Hereditary Breast and Ovarian Cancer; Hereditary breast and ovarian cancer syndrome. Identifiers: Orphanet 145, MedGen C0677776, MeSH D061325, MONDO:0003582. Disease mechanism: loss of function.

Submission:

Labcorp Genetics (formerly Invitae), Labcorp
Classification: Uncertain significance for Hereditary breast ovarian cancer syndrome. Last evaluated: 2026-01-15. Review status: criteria provided, single submitter. Criteria: Invitae Variant Classification Sherloc (09022015). Collection method: clinical testing. Allele origin: germline.
Comment: This sequence change replaces lysine, which is basic and polar, with glutamic acid, which is acidic and polar, at codon 1541 of the BRCA2 protein (p.Lys1541Glu). This variant is not present in population databases (gnomAD no frequency). This variant has not been reported in the literature in individuals affected with BRCA2-related conditions. Invitae Evidence Modeling of protein sequence and biophysical properties (such as structural, functional, and spatial information, amino acid conservation, physicochemical variation, residue mobility, and thermodynamic stability) indicates that this missense variant is not expected to disrupt BRCA2 protein function with a negative predictive value of 95%. In summary, the available evidence is currently insufficient to determine the role of this variant in disease. Therefore, it has been classified as a Variant of Uncertain Significance.